The following is an entry in ClinVar:

ClinVar aggregate classification (germline): Pathogenic. Review status: reviewed by expert panel (3 of 4 stars). 12 submissions from 12 submitters: Pathogenic (1). 11 of the submissions do not count toward it. Last evaluated 2026-01-23.

Conditions:
Miyoshi muscular dystrophy 1 (MMD1). Identifiers: Orphanet 45448, MedGen C4551973, MONDO:0024545, OMIM 254130.
Autosomal recessive limb-girdle muscular dystrophy type 2B (LGMDR2). Also called: MUSCULAR DYSTROPHY, LIMB-GIRDLE, AUTOSOMAL RECESSIVE 2; MUSCULAR DYSTROPHY, LIMB-GIRDLE, TYPE 3; Limb-Girdle Muscular Dystrophy Type 2B (LGMD2B); Limb-girdle muscular dystrophy, type 2B. Identifiers: Orphanet 268, MedGen C1850889, MONDO:0009676, OMIM 253601.
Distal myopathy with anterior tibial onset. Identifiers: Orphanet 178400, MedGen C1847532, MONDO:0011721, OMIM 606768.
Autosomal recessive limb-girdle muscular dystrophy. Identifiers: Orphanet 102015, MedGen C2931907, MONDO:0015152.
Neuromuscular disease caused by qualitative or quantitative defects of dysferlin. Also called: Qualitative or quantitative defects of dysferlin; Dysferlinopathy. Identifiers: Orphanet 207073, MedGen C2931687, MONDO:0016145.
Autosomal recessive DYSF-related disorders.

Submissions (12):

ClinGen Limb Girdle Muscular Dystrophy Variant Curation Expert Panel, ClinGen
Classification: Pathogenic for Autosomal recessive limb-girdle muscular dystrophy. Last evaluated: 2026-01-23. Review status: reviewed by expert panel. Criteria: ClinGen LGMD VCEP ACMG Specifications DYSF V2.0.0. Collection method: curation. Allele origin: germline. Inheritance: Autosomal recessive inheritance.
Comment: The NM_003494.4: c.3444_3445delTGinsAA p.(Tyr1148Ter) variant in DYSF, which is also known as NM_001130987.2: c.3498_3499delinsAA p.(Tyr1166Ter), is a nonsense variant predicted to cause a premature stop codon in biologically relevant exon 32/55, leading to nonsense mediated decay in a gene in which loss of function is an established disease mechanism (PVS1). This variant has been identified in at least 10 unrelated individuals with LGMD (PMID: 195280, 27066573, 27602406, 30564623) including in a homozygous state in four patients, which includes a sibling pair, all without reported familial consanguinity (1.0 pt, PMID: 15469449, 27602406) and in unknown phase with a pathogenic variant in one patient (c.6124C>T p.(Arg2042Cys), 0.5 pts, PMID: 27602406). The variant was also identified in two affected siblings in a confirmed trans phase with a pathogenic variant (c.4886+1249G>T, 1.0 pt, PMID: 30564623) (PM3_Strong; PP1). At least one of these patients had a clinical diagnosis of LGMD and absent dysferlin protein expression, which is highly specific for DYSF-related LGMD (PMID: 27602406; PP4_Strong). While this variant is not called as an insertion-deletion in gnomAD v4.1.0, read data indicates the presence of both component single nucleotide variants in cis in multiple individuals. The frequency of one component variant, (c.3444T>A p.(Tyr1148Ter), is also below the LGMD VCEP threshold (≤0.0001) (PM2_Supporting). In summary, this variant meets the criteria to be classified as Pathogenic for autosomal recessive limb girdle muscular dystrophy based on the ACMG/AMP criteria applied, as specified by the ClinGen LGMD VCEP (specifications v2.0.0; 01/23/2026): PVS1, PM3_Strong, PP4_Strong, PP1, PM2_supporting.

Natera, Inc.
Classification: Pathogenic for Limb-girdle muscular dystrophy type 2B. Last evaluated: 2025-05-11. Review status: criteria provided, single submitter. Criteria: Natera Variant Classification Schema (03/2026). Collection method: clinical testing. Allele origin: germline. Not counted in ClinVar's aggregate classification.
Comment: The c.3444_3445delTGinsAA variant in DYSF is a deletion-insertion (delins) variant predicted to replace one or more nucleotides with a different sequence. This variant is expected to result in nonsense mediated decay, truncation, or a dysfunctional protein product. This variant is rare in the general population with a frequency below the threshold expected for the associated phenotype(s). This variant has been observed in one or more individuals affected with the associated recessive disease, as either homozygous or compound heterozygous with a second variant (PMID: 27602406). Given the available evidence, this variant is classified as Pathogenic.

Variantyx, Inc.
Classification: Pathogenic for Autosomal recessive DYSF-related disorders. Last evaluated: 2025-03-12. Review status: criteria provided, single submitter. Criteria: Variantyx Assertion Criteria 2022. Collection method: clinical testing. Allele origin: germline. Inheritance: Autosomal recessive inheritance. Affected: no. Not counted in ClinVar's aggregate classification.
Comment: This is a nonsense variant in the DYSF gene (OMIM: 603009). Pathogenic variants in this gene have been associated with autosomal recessive DYSF-related disorders. This variant introduces a premature termination codon in exon 32 out of 56nand is expected to result in loss of function, which is a known disease mechanism for DYSF in this disorder (PMID: 25493284) (PVS1). It has been identified in the compound heterozygous state in one or more of the following: the current proband, at least one individuals reported in the published literature (PMID: 25493284), or previous internal cases (PM3, and it has a 0.0027% maximum allele frequency in non-founder control populations (PM2). Based on the current evidence, this variant is classified as pathogenic for autosomal recessive DYSF-related disorders.

Revvity Omics, Revvity
Classification: Pathogenic. Last evaluated: 2024-10-28. Review status: criteria provided, single submitter. Criteria: ACMG Guidelines, 2015. Collection method: clinical testing. Allele origin: germline. Not counted in ClinVar's aggregate classification.

Labcorp Genetics (formerly Invitae), Labcorp
Classification: Pathogenic for Neuromuscular disease caused by qualitative or quantitative defects of dysferlin. Last evaluated: 2024-09-21. Review status: criteria provided, single submitter. Criteria: Invitae Variant Classification Sherloc (09022015). Collection method: clinical testing. Allele origin: germline. Not counted in ClinVar's aggregate classification.
Comment: This sequence change creates a premature translational stop signal (p.Tyr1148*) in the DYSF gene. It is expected to result in an absent or disrupted protein product. Loss-of-function variants in DYSF are known to be pathogenic (PMID: 17698709, 20301480). Information on the frequency of this variant in the gnomAD database is not available, as this variant may be reported differently in the database. This premature translational stop signal has been observed in individuals with Miyoshi myopathy, distal myopathy, limb-girdle muscular dystrophy, and dysferlinopathy (PMID: 15469449, 19528035, 25493284, 27066573, 27602406). This variant is also known as 3817–8TG>AA. ClinVar contains an entry for this variant (Variation ID: 94305). For these reasons, this variant has been classified as Pathogenic.

GeneDx
Classification: Pathogenic. Last evaluated: 2024-07-22. Review status: criteria provided, single submitter. Criteria: GeneDx Variant Classification Process June 2021. Collection method: clinical testing. Allele origin: germline. Affected: yes. Not counted in ClinVar's aggregate classification.
Comment: Nonsense variant predicted to result in protein truncation or nonsense mediated decay in a gene for which loss of function is a known mechanism of disease; Not observed at significant frequency in large population cohorts (gnomAD); This variant is associated with the following publications: (PMID: 26290895, 19528035, 15469449, 26273692, 12471055, 25493284, 33715265, 33610434, 17698709, 27602406, 32400077)

Baylor Genetics
Classification: Pathogenic for Miyoshi muscular dystrophy 1. Last evaluated: 2024-02-20. Review status: criteria provided, single submitter. Criteria: ACMG Guidelines, 2015. Collection method: clinical testing. Allele origin: unknown. Not counted in ClinVar's aggregate classification.

Mayo Clinic Laboratories, Mayo Clinic
Classification: Pathogenic. Last evaluated: 2023-05-10. Review status: criteria provided, single submitter. Criteria: ACMG Guidelines, 2015. Collection method: clinical testing. Allele origin: germline. Observed: 1 variant allele. Not counted in ClinVar's aggregate classification.
Comment: PM2, PM3, PS4_moderate, PVS1

HudsonAlpha Institute for Biotechnology
Classification: Pathogenic for Autosomal recessive limb-girdle muscular dystrophy type 2B. Last evaluated: 2022-12-22. Review status: criteria provided, single submitter. Criteria: ACMG Guidelines, 2015. Collection method: research. Allele origin: unknown. Affected: yes. Observed: 1 variant allele. Study: HudsonAlpha-AGHI-WGS. Not counted in ClinVar's aggregate classification.

Fulgent Genetics
Classification: Pathogenic for Autosomal recessive limb-girdle muscular dystrophy type 2B; Miyoshi muscular dystrophy 1; Distal myopathy with anterior tibial onset. Last evaluated: 2018-10-31. Review status: criteria provided, single submitter. Criteria: ACMG Guidelines, 2015. Collection method: clinical testing. Allele origin: unknown. Not counted in ClinVar's aggregate classification.

Eurofins Ntd Llc (ga)
Classification: Pathogenic. Last evaluated: 2016-12-06. Review status: criteria provided, single submitter. Criteria: EGL Classification Definitions. Collection method: clinical testing. Allele origin: germline. Observed: 8 variant alleles, 8 heterozygotes. Not counted in ClinVar's aggregate classification.

Counsyl
Classification: Pathogenic for Autosomal recessive limb-girdle muscular dystrophy type 2B. Last evaluated: 2018-02-01. Review status: no assertion criteria provided. Collection method: clinical testing. Allele origin: unknown. Not counted in ClinVar's aggregate classification.

Literature cited by the submitters: PubMed 27602406 (cited by Natera, Inc. and Labcorp Genetics (formerly Invitae), Labcorp); PubMed 25493284 (cited by 3 submitters); PubMed 33610434 (cited by Variantyx, Inc. and Mayo Clinic Laboratories, Mayo Clinic); PubMed 17698709 (cited by Labcorp Genetics (formerly Invitae), Labcorp); PubMed 20301480 (cited by Labcorp Genetics (formerly Invitae), Labcorp); PubMed 15469449 (cited by 3 submitters); PubMed 19528035 (cited by Labcorp Genetics (formerly Invitae), Labcorp and Mayo Clinic Laboratories, Mayo Clinic); PubMed 27066573 (cited by Labcorp Genetics (formerly Invitae), Labcorp and Counsyl); PubMed 33715265 (cited by Mayo Clinic Laboratories, Mayo Clinic).

NM_001130987.2(DYSF):c.3498_3499delinsAA (p.Tyr1166_Gly1167delinsTer)

Gene: DYSF (dysferlin; plus strand). Cytogenetic location: 2p13.2.
Variant type: Indel.
Coding change: c.3498_3499delinsAA on transcript NM_001130987.2 (MANE Select); coding-DNA positions 3498 to 3499, TG replaced by AA.
Protein change: p.Tyr1166_Gly1167delinsTer.
Molecular consequence: nonsense.
Genome position (GRCh38, 1-based): chr2:71,590,212-71,590,213, TG replaced by AA. VCF-style: chr2-71590212-TG-AA. GRCh37 (hg19) VCF-style: chr2-71817342-TG-AA.
Other names: p.Tyr1148*; NM_001130987.2(DYSF):c.3498_3499delinsAA; p.Tyr1166_Gly1167delinsTer; c.3447_3448delinsAA, p.Tyr1149_Gly1150delinsTer (NM_001130455.2, NM_001130983.2); c.3402_3403delinsAA, p.Tyr1134_Gly1135delinsTer (NM_001130976.2, NM_001130977.2); c.3444_3445delinsAA, p.Tyr1148_Gly1149delinsTer (NM_001130978.2, NM_003494.4); c.3537_3538delinsAA, p.Tyr1179_Gly1180delinsTer (NM_001130979.2); c.3495_3496delinsAA, p.Tyr1165_Gly1166delinsTer (NM_001130980.2, NM_001130981.2); and 3 more.
Identifiers: ClinVar variation 94305 (VCV000094305.29), dbSNP rs398123781, ClinGen allele CA222156.
Genomic context (GRCh38, chr2:71,590,212, plus strand): 5'-CCAGCTCTTAACCACTCCAGCCACTCACTCTGGCACCTCTGTTTTTTCCCTTGGTGAAGA[TG>AA]GGAACCGCTACCATCTACGCTGCTACATGTACCAGGCCCGGGACCTGGCTGCGATGGACA-3'